The following is an entry in ClinVar:

NM_012330.4(KAT6B):c.4053G>C (p.Glu1351Asp)

Gene: KAT6B (lysine acetyltransferase 6B; plus strand). Cytogenetic location: 10q22.2.
Variant type: single nucleotide variant.
Coding change: c.4053G>C on transcript NM_012330.4 (MANE Select); coding-DNA position 4053, G replaced by C.
Protein change: p.Glu1351Asp; replaces glutamic acid 1351 with aspartic acid.
Molecular consequence: missense variant.
Genome position (GRCh38, 1-based): chr10:75,028,877, G>C. VCF-style: chr10-75028877-G-C. GRCh37 (hg19) VCF-style: chr10-76788635-G-C.
Other names: c.3504G>C, p.Glu1168Asp (NM_001256468.2, NM_001370138.1); c.3177G>C, p.Glu1059Asp (NM_001256469.2, NM_001370139.1, NM_001370140.1 and 2 more transcripts); c.3015G>C, p.Glu1005Asp (NM_001370132.1); c.2364G>C, p.Glu788Asp (NM_001370133.1); c.1968G>C, p.Glu656Asp (NM_001370134.1); c.1710G>C, p.Glu570Asp (NM_001370135.1); c.4053G>C, p.Glu1351Asp (NM_001370136.1, NM_001370137.1); c.2988G>C, p.Glu996Asp (NM_001370143.1, NM_001370144.1); short protein forms E570D, E656D, E1168D, E1351D, E788D, E1005D, E1059D, E996D.
Identifiers: ClinVar variation 850837 (VCV000850837.11), dbSNP rs1314906622, ClinGen allele CA377295190.

ClinVar aggregate classification (germline): Uncertain significance. Review status: criteria provided, multiple submitters, no conflicts (2 of 4 stars). 2 submissions from 2 submitters: Uncertain significance (2). Last evaluated 2023-11-27.

Conditions:
Genitopatellar syndrome (GTPTS). Also called: Genitopatellar syndrome (GPS); ABSENT PATELLAE, SCROTAL HYPOPLASIA, RENAL ANOMALIES, FACIAL DYSMORPHISM, AND MENTAL RETARDATION. Identifiers: Orphanet 85201, MedGen C1853566, MONDO:0011640, OMIM 606170.

Allele frequency attached by ClinVar (database versions not stated): TOPMed below 0.00001.
gnomAD v4.1: 16 of 1,613,216 alleles (0.00099%); highest among the groups gnomAD compares: Admixed American, 0.0017%; no homozygotes.

Submissions (2):

Labcorp Genetics (formerly Invitae), Labcorp
Classification: Uncertain significance for Genitopatellar syndrome. Last evaluated: 2023-11-27. Review status: criteria provided, single submitter. Criteria: Invitae Variant Classification Sherloc (09022015). Collection method: clinical testing. Allele origin: germline.
Comment: This sequence change replaces glutamic acid, which is acidic and polar, with aspartic acid, which is acidic and polar, at codon 1351 of the KAT6B protein (p.Glu1351Asp). This variant is not present in population databases (gnomAD no frequency). This variant has not been reported in the literature in individuals affected with KAT6B-related conditions. ClinVar contains an entry for this variant (Variation ID: 850837). Advanced modeling of protein sequence and biophysical properties (such as structural, functional, and spatial information, amino acid conservation, physicochemical variation, residue mobility, and thermodynamic stability) performed at Invitae indicates that this missense variant is not expected to disrupt KAT6B protein function with a negative predictive value of 80%. In summary, the available evidence is currently insufficient to determine the role of this variant in disease. Therefore, it has been classified as a Variant of Uncertain Significance.

Baylor Genetics
Classification: Uncertain significance for Genitopatellar syndrome. Last evaluated: 2018-04-11. Review status: criteria provided, single submitter. Criteria: ACMG Guidelines, 2015. Collection method: clinical testing. Allele origin: paternal. Affected: yes.
Comment: This variant was determined to be of uncertain significance according to ACMG Guidelines, 2015 [PMID:25741868].